The following is an entry in ClinVar:

NM_000287.4(PEX6):c.544G>A (p.Val182Met)

Gene: PEX6 (peroxisomal biogenesis factor 6; minus strand). Cytogenetic location: 6p21.1.
Variant type: single nucleotide variant.
Coding change: c.544G>A on transcript NM_000287.4 (MANE Select); coding-DNA position 544, G replaced by A.
Protein change: p.Val182Met; replaces valine 182 with methionine.
Molecular consequence: missense variant. On other transcripts: non-coding transcript variant (1).
Genome position (GRCh38, 1-based): chr6:42,978,607, C>T on the plus strand (G>A on the coding strand, the complement: PEX6 is on the minus strand). VCF-style: chr6-42978607-C-T. GRCh37 (hg19) VCF-style: chr6-42946345-C-T.
Other names: c.544G>A, p.Val182Met (NM_001316313.2); short protein forms V182M.
Identifiers: ClinVar variation 2085846 (VCV002085846.1), dbSNP rs1280806460, ClinGen allele CA364164191.

ClinVar aggregate classification (germline): Uncertain significance (1 of 4 stars; one submission).

Conditions:
Peroxisome biogenesis disorder. Identifiers: Orphanet 79189, MedGen C1832200, MONDO:0019234. Disease mechanism: loss of function.

Submission:

Labcorp Genetics (formerly Invitae), Labcorp
Classification: Uncertain significance for Peroxisome biogenesis disorder. Last evaluated: 2022-03-18. Review status: criteria provided, single submitter. Criteria: Invitae Variant Classification Sherloc (09022015). Collection method: clinical testing. Allele origin: germline.
Comment: This sequence change replaces valine, which is neutral and non-polar, with methionine, which is neutral and non-polar, at codon 182 of the PEX6 protein (p.Val182Met). This variant is not present in population databases (gnomAD no frequency). This variant has not been reported in the literature in individuals affected with PEX6-related conditions. Algorithms developed to predict the effect of missense changes on protein structure and function (SIFT, PolyPhen-2, Align-GVGD) all suggest that this variant is likely to be tolerated. In summary, the available evidence is currently insufficient to determine the role of this variant in disease. Therefore, it has been classified as a Variant of Uncertain Significance.